The following is an entry in ClinVar:

NM_025114.4(CEP290):c.2992-2A>T

Gene: CEP290 (centrosomal protein 290; minus strand). Cytogenetic location: 12q21.32.
Variant type: single nucleotide variant.
Coding change: c.2992-2A>T on transcript NM_025114.4 (MANE Select); the canonical splice acceptor site of the intron before coding-DNA position 2992, A replaced by T.
Molecular consequence: splice acceptor variant.
Genome position (GRCh38, 1-based): chr12:88,097,001, T>A on the plus strand (A>T on the coding strand, the complement: CEP290 is on the minus strand). VCF-style: chr12-88097001-T-A. GRCh37 (hg19) VCF-style: chr12-88490778-T-A.
Identifiers: ClinVar variation 1723245 (VCV001723245.1), dbSNP rs2037480406, ClinGen allele CA386007294.

ClinVar aggregate classification (germline): Likely pathogenic (1 of 4 stars; one submission).

Conditions:
CEP290-related disorder. Also called: CEP290-related condition; CEP290-related disorders. Identifiers: MedGen CN239314.

Submission:

Women's Health and Genetics/Laboratory Corporation of America, LabCorp
Classification: Likely pathogenic for CEP290-related disorder. Last evaluated: 2022-10-05. Review status: criteria provided, single submitter. Criteria: LabCorp Variant Classification Summary - May 2015. Collection method: clinical testing. Allele origin: germline.
Comment: Variant summary: CEP290 c.2992-2A>T is located in a canonical splice-site and is predicted to affect mRNA splicing resulting in a significantly altered protein due to either exon skipping, shortening, or inclusion of intronic material. Several computational tools predict a significant impact on normal splicing: Four predict the variant abolishes a 3 acceptor site. However, these predictions have yet to be confirmed by functional studies. The variant was absent in 149630 control chromosomes. To our knowledge, no occurrence of c.2992-2A>T in individuals affected with CEP290-Related Disorders and no experimental evidence demonstrating its impact on protein function have been reported. No clinical diagnostic laboratories have submitted clinical-significance assessments for this variant to ClinVar after 2014. Based on the evidence outlined above, the variant was classified as likely pathogenic.